The following is an entry in ClinVar:

NM_002693.3(POLG):c.1303C>G (p.Leu435Val)

Gene: POLG (DNA polymerase gamma, catalytic subunit; minus strand). Cytogenetic location: 15q26.1.
Variant type: single nucleotide variant.
Coding change: c.1303C>G on transcript NM_002693.3 (MANE Select); coding-DNA position 1303, C replaced by G.
Protein change: p.Leu435Val; replaces leucine 435 with valine.
Molecular consequence: missense variant.
Genome position (GRCh38, 1-based): chr15:89,327,297, G>C on the plus strand (C>G on the coding strand, the complement: POLG is on the minus strand). VCF-style: chr15-89327297-G-C. GRCh37 (hg19) VCF-style: chr15-89870528-G-C.
Other names: c.1303C>G, p.Leu435Val (NM_001126131.2); short protein forms L435V.
Identifiers: ClinVar variation 1471990 (VCV001471990.8), dbSNP rs2152067129, ClinGen allele CA393762585.

ClinVar aggregate classification (germline): Uncertain significance (1 of 4 stars; one submission).

Conditions:
Progressive sclerosing poliodystrophy (MTDPS4A). Also called: Mitochondrial DNA depletion syndrome 4A (Alpers type); ALPERS PROGRESSIVE INFANTILE POLIODYSTROPHY; NEURONAL DEGENERATION OF CHILDHOOD WITH LIVER DISEASE, PROGRESSIVE; Mitochondrial DNA Depletion Syndrome 4A; Alpers-Huttenlocher Syndrome (AHS); Alpers Syndrome. Identifiers: Orphanet 726, MedGen C0205710, MONDO:0008758, OMIM 203700.

gnomAD v4.1: 2 of 1,614,134 alleles (0.00012%); highest among the groups gnomAD compares: Non-Finnish European, 0.00017%; no homozygotes.

Submission:

Labcorp Genetics (formerly Invitae), Labcorp
Classification: Uncertain significance for Progressive sclerosing poliodystrophy. Last evaluated: 2022-08-23. Review status: criteria provided, single submitter. Criteria: Invitae Variant Classification Sherloc (09022015). Collection method: clinical testing. Allele origin: germline.
Comment: Algorithms developed to predict the effect of missense changes on protein structure and function (SIFT, PolyPhen-2, Align-GVGD) all suggest that this variant is likely to be disruptive. ClinVar contains an entry for this variant (Variation ID: 1471990). This variant has not been reported in the literature in individuals affected with POLG-related conditions. This variant is not present in population databases (gnomAD no frequency). This sequence change replaces leucine, which is neutral and non-polar, with valine, which is neutral and non-polar, at codon 435 of the POLG protein (p.Leu435Val). In summary, the available evidence is currently insufficient to determine the role of this variant in disease. Therefore, it has been classified as a Variant of Uncertain Significance.